The following is an entry in ClinVar:

ClinVar aggregate classification (germline): Likely benign. Review status: criteria provided, multiple submitters, no conflicts (2 of 4 stars). 2 submissions from 2 submitters: Likely benign (2). Last evaluated 2026-08-13.

Conditions:
CNNM4-related disorder. Also called: CNNM4-related condition.

Submissions (2):

PreventionGenetics, part of Exact Sciences
Classification: Likely benign for CNNM4-related condition. Last evaluated: 2026-08-13. Review status: criteria provided, single submitter. Criteria: ACMG Guidelines, 2015. Collection method: clinical testing. Allele origin: germline.
Comment: This variant is classified as likely benign based on ACMG/AMP sequence variant interpretation guidelines (Richards et al. 2015 PMID: 25741868, with internal and published modifications).

Blueprint Genetics
Classification: Likely benign. Last evaluated: 2023-09-01. Review status: criteria provided, single submitter. Criteria: ACMG Guidelines, 2015. Collection method: clinical testing. Allele origin: germline.

NM_020184.4(CNNM4):c.1682-7C>T

Gene: CNNM4 (cyclin and CBS domain divalent metal cation transport mediator 4; plus strand). Cytogenetic location: 2q11.2.
Variant type: single nucleotide variant.
Coding change: c.1682-7C>T on transcript NM_020184.4 (MANE Select); 7 bases into the intron before coding-DNA position 1682, C replaced by T.
Molecular consequence: intron variant.
Genome position (GRCh38, 1-based): chr2:96,799,050, C>T. VCF-style: chr2-96799050-C-T. GRCh37 (hg19) VCF-style: chr2-97464787-C-T.
Other names: c.1682-7C>T (NM_020184.3).
Identifiers: ClinVar variation 4956068 (VCV004956068.2).